The following is an entry in ClinVar:

ClinVar aggregate classification (germline): Uncertain significance (1 of 4 stars; one submission).

Submission:

Labcorp Genetics (formerly Invitae), Labcorp
Classification: Uncertain significance. Last evaluated: 2022-08-23. Review status: criteria provided, single submitter. Criteria: Invitae Variant Classification Sherloc (09022015). Collection method: clinical testing. Allele origin: germline.
Comment: This variant is not present in population databases (gnomAD no frequency). This sequence change replaces leucine, which is neutral and non-polar, with valine, which is neutral and non-polar, at codon 368 of the MSH3 protein (p.Leu368Val). This variant has not been reported in the literature in individuals affected with MSH3-related conditions. In summary, the available evidence is currently insufficient to determine the role of this variant in disease. Therefore, it has been classified as a Variant of Uncertain Significance. Algorithms developed to predict the effect of missense changes on protein structure and function are either unavailable or do not agree on the potential impact of this missense change (SIFT: "Tolerated"; PolyPhen-2: "Probably Damaging"; Align-GVGD: "Class C0"). ClinVar contains an entry for this variant (Variation ID: 654689).

NM_002439.5(MSH3):c.1102C>G (p.Leu368Val)

Gene: MSH3 (mutS homolog 3; plus strand). Cytogenetic location: 5q14.1.
Variant type: single nucleotide variant.
Coding change: c.1102C>G on transcript NM_002439.5 (MANE Select); coding-DNA position 1102, C replaced by G.
Protein change: p.Leu368Val; replaces leucine 368 with valine.
Molecular consequence: missense variant.
Genome position (GRCh38, 1-based): chr5:80,675,057, C>G. VCF-style: chr5-80675057-C-G. GRCh37 (hg19) VCF-style: chr5-79970876-C-G.
Other names: short protein forms L368V.
Identifiers: ClinVar variation 654689 (VCV000654689.8), dbSNP rs779579188, ClinGen allele CA360268101.
Genomic context (GRCh38, chr5:80,675,057, plus strand): 5'-ATCAAGCTGGATGATGCTGTAAATGTTGATGAGATAATGACTGATACTTCTACCAGCTAT[C>G]TTCTGTGCATCTCTGAAAATAAGGAAAATGTTAGGGACAAAAAAAAGGGCAACATTTTTA-3'
Protein context (NP_002430.3, residues 358-378): EIMTDTSTSY[Leu368Val]LCISENKENV